The following is an entry in ClinVar:

ClinVar aggregate classification (germline): Uncertain significance (1 of 4 stars; one submission).

Conditions:
Pityriasis rubra pilaris (PRP). Also called: Pityriasis rubra pilaris--familial type. Identifiers: Orphanet 2897, MedGen C0032027, MONDO:0100017, OMIM 173200, MONDO:0008251.
Psoriasis 2. Identifiers: MedGen C1864497, MONDO:0011269, OMIM 602723.

gnomAD v4.1: 1 of 1,607,458 alleles (0.000062%); highest among the groups gnomAD compares: Admixed American, 0.0017%; no homozygotes.

Submission:

Labcorp Genetics (formerly Invitae), Labcorp
Classification: Uncertain significance for Pityriasis rubra pilaris; Psoriasis 2. Last evaluated: 2025-12-17. Review status: criteria provided, single submitter. Criteria: Invitae Variant Classification Sherloc (09022015). Collection method: clinical testing. Allele origin: germline.
Comment: This sequence change falls in intron 9 of the CARD14 gene. It does not directly change the encoded amino acid sequence of the CARD14 protein. It affects a nucleotide within the consensus splice site. This variant is present in population databases (no rsID available, gnomAD 0.003%). This variant has not been reported in the literature in individuals affected with CARD14-related conditions. Variants that disrupt the consensus splice site are a relatively common cause of aberrant splicing (PMID: 17576681, 9536098). Algorithms developed to predict the effect of sequence changes on RNA splicing suggest that this variant is not likely to affect RNA splicing. In summary, the available evidence is currently insufficient to determine the role of this variant in disease. Therefore, it has been classified as a Variant of Uncertain Significance.

Literature cited by the submitters: PubMed 17576681; PubMed 9536098.

NM_001366385.1(CARD14):c.1356+3A>G

Gene: CARD14 (caspase recruitment domain family member 14; plus strand). Cytogenetic location: 17q25.3.
Variant type: single nucleotide variant.
Coding change: c.1356+3A>G on transcript NM_001366385.1 (MANE Select); 3 bases into the intron after coding-DNA position 1356, A replaced by G.
Molecular consequence: intron variant.
Genome position (GRCh38, 1-based): chr17:80,192,622, A>G. VCF-style: chr17-80192622-A-G. GRCh37 (hg19) VCF-style: chr17-78166421-A-G.
Other names: c.1356+3A>G (NM_024110.4, NM_001257970.1); c.645+3A>G (NM_052819.3).
Identifiers: ClinVar variation 4791798 (VCV004791798.1).